The following is an entry in ClinVar:

ClinVar aggregate classification (germline): Uncertain significance (1 of 4 stars; one submission).

Submission:

Women's Health and Genetics/Laboratory Corporation of America, LabCorp
Classification: Uncertain significance. Last evaluated: 2023-04-14. Review status: criteria provided, single submitter. Criteria: LabCorp Variant Classification Summary - May 2015. Collection method: clinical testing. Allele origin: germline.
Comment: Variant summary: PLEKHG5 c.-5773T>A is located in the untranscribed region upstream of the PLEKHG5 gene region. The variant was absent in 60124 control chromosomes (gnomAD). The available data on variant occurrences in the general population are insufficient to allow any conclusion about variant significance. To our knowledge, no occurrence of c.-5773T>A in individuals affected with Distal Spinal Muscular Atrophy, Autosomal Recessive 4 and no experimental evidence demonstrating its impact on protein function have been reported. No clinical diagnostic laboratories have submitted clinical-significance assessments for this variant to ClinVar after 2014. Based on the evidence outlined above, the variant was classified as uncertain significance.

NM_020631.4(PLEKHG5):c.-5773T>A

Gene: PLEKHG5 (pleckstrin homology and RhoGEF domain containing G5; minus strand). Cytogenetic location: 1p36.31.
Variant type: single nucleotide variant.
Coding change: c.-5773T>A on transcript NM_020631.4; 5773 bases upstream of the start codon, T replaced by A.
Molecular consequence: 5 prime UTR variant (on NM_001042663.3). On other transcripts: intron variant (1).
Genome position (GRCh38, 1-based): chr1:6,497,322, A>T on the plus strand (T>A on the coding strand, the complement: PLEKHG5 is on the minus strand). VCF-style: chr1-6497322-A-T. GRCh37 (hg19) VCF-style: chr1-6557382-A-T.
Other names: c.-56T>A (NM_001042663.3); c.-164-753T>A (NM_198681.4).
Identifiers: ClinVar variation 2503812 (VCV002503812.1), dbSNP rs1569979570, ClinGen allele CA338103662.
Genomic context (GRCh38, chr1:6,497,322, plus strand): 5'-GCCGGCCCGGCCCCCCAGGACCCCGCCCCGCGTCCGCCGGGTCCCCGCCTGCACTCACCC[A>T]TGGAGCAGGCCCCGTGCCGCGCGGGGGGCGGGCGGCGGGCGGGGGCGCCGGGGACGCCGG-3'